The following is an entry in ClinVar:

NM_173546.3(KLHDC8B):c.169C>T (p.His57Tyr)

Gene: KLHDC8B (kelch domain containing 8B; plus strand). Cytogenetic location: 3p21.31.
Variant type: single nucleotide variant.
Coding change: c.169C>T on transcript NM_173546.3 (MANE Select); coding-DNA position 169, C replaced by T.
Protein change: p.His57Tyr; replaces histidine 57 with tyrosine.
Molecular consequence: missense variant.
Genome position (GRCh38, 1-based): chr3:49,172,938, C>T. VCF-style: chr3-49172938-C-T. GRCh37 (hg19) VCF-style: chr3-49210371-C-T.
Other names: short protein forms H57Y.
Identifiers: ClinVar variation 2509134 (VCV002509134.5), dbSNP rs750808403, ClinGen allele CA2395441.

ClinVar aggregate classification (germline): Uncertain significance. Review status: criteria provided, multiple submitters, no conflicts (2 of 4 stars). 2 submissions from 2 submitters: Uncertain significance (2). Last evaluated 2025-12-19.

Allele frequency attached by ClinVar (database versions not stated): gnomAD 0.00005; TOPMed 0.00005; gnomAD exomes 0.00004; ExAC 0.00003.

Submissions (2):

Labcorp Genetics (formerly Invitae), Labcorp
Classification: Uncertain significance. Last evaluated: 2025-12-19. Review status: criteria provided, single submitter. Criteria: Invitae Variant Classification Sherloc (09022015). Collection method: clinical testing. Allele origin: germline.
Comment: This sequence change replaces histidine, which is basic and polar, with tyrosine, which is neutral and polar, at codon 57 of the KLHDC8B protein (p.His57Tyr). This variant is present in population databases (rs750808403, gnomAD 0.1%), and has an allele count higher than expected for a pathogenic variant. This variant has not been reported in the literature in individuals affected with KLHDC8B-related conditions. ClinVar contains an entry for this variant (Variation ID: 2509134). An algorithm developed to predict the effect of missense changes on protein structure and function (PolyPhen-2) suggests that this variant is likely to be tolerated. In summary, the available evidence is currently insufficient to determine the role of this variant in disease. Therefore, it has been classified as a Variant of Uncertain Significance.

Ambry Genetics
Classification: Uncertain significance. Last evaluated: 2023-05-31. Review status: criteria provided, single submitter. Criteria: Ambry Variant Classification Scheme 2023. Collection method: clinical testing. Allele origin: germline.